The following is an entry in ClinVar:

NM_001267550.2(TTN):c.33083_33086dup (p.Tyr11029Ter)

Gene: TTN (titin; minus strand). Cytogenetic location: 2q31.2.
Variant type: Duplication.
Coding change: c.33083_33086dup on transcript NM_001267550.2 (MANE Select); coding-DNA positions 33083 to 33086, 4 bases duplicated (AATA; older notation c.33083_33086dupAATA).
Protein change: p.Tyr11029Ter; replaces tyrosine 11029 with a stop codon.
Molecular consequence: nonsense. On other transcripts: intron variant (3).
Genome position (GRCh38, 1-based): chr2:178,682,705-178,682,708, TATT duplicated on the plus strand (AATA on the coding strand, the reverse complement: TTN is on the minus strand). VCF-style (leftmost placement, unchanged base first): chr2-178682704-G-GTATT. GRCh37 (hg19) VCF-style: chr2-179547431-G-GTATT.
Other names: c.32132_32135dup, p.Tyr10712Ter (NM_001256850.1); c.29351_29354dup, p.Tyr9785Ter (NM_133378.4); c.13283-40391_13283-40388dup (NM_003319.4); c.13859-40391_13859-40388dup (NM_133437.4); c.13658-40391_13658-40388dup (NM_133432.3); short protein forms Y10712*, Y11029*, Y9785*.
Identifiers: ClinVar variation 1471859 (VCV001471859.8), dbSNP rs2154271814, ClinGen allele CA2573133935.
Genomic context (GRCh38, chr2:178,682,704, plus strand): 5'-GTTTGAGTGTGCACATATTTAGTGTGGTTTTGAGTTTGCAGTTTTGCTCATACCTGTGAT[G>GTATT]TATTCTTCATGCTCTTCATATCGTTCATACTCCCGCTCCTCGTATTCTTCATATTGGTCA-3'

ClinVar aggregate classification (germline): Likely pathogenic (1 of 4 stars; one submission).

Conditions:
Dilated cardiomyopathy 1G (CMD1G). Identifiers: Orphanet 154, MedGen C1858763, MONDO:0011400, OMIM 604145.
Autosomal recessive limb-girdle muscular dystrophy type 2J (LGMDR10). Also called: Limb-girdle muscular dystrophy, type 2J; MUSCULAR DYSTROPHY, LIMB-GIRDLE, AUTOSOMAL RECESSIVE 10. Identifiers: Orphanet 140922, MedGen C1837342, MONDO:0012127, OMIM 608807.

Submission:

Labcorp Genetics (formerly Invitae), Labcorp
Classification: Likely pathogenic for Dilated cardiomyopathy 1G; Autosomal recessive limb-girdle muscular dystrophy type 2J. Last evaluated: 2024-11-04. Review status: criteria provided, single submitter. Criteria: Invitae Variant Classification Sherloc (09022015). Collection method: clinical testing. Allele origin: germline.
Comment: This sequence change creates a premature translational stop signal (p.Tyr11029*) in the TTN gene. While this is not anticipated to result in nonsense mediated decay, it is expected to create a truncated TTN protein. This variant is not present in population databases (gnomAD no frequency). This variant has not been reported in the literature in individuals affected with TTN-related conditions. ClinVar contains an entry for this variant (Variation ID: 1471859). This variant is located in the I band of TTN (PMID: 25589632). Truncating variants in this region have been reported in individuals affected with autosomal recessive centronuclear myopathy (PMID: 23975875, internal data). Truncating variants in this region have also been identified in individuals affected with autosomal dominant dilated cardiomyopathy and/or cardio-related conditions (PMID: 27869827, 32964742, internal data). In summary, the currently available evidence indicates that the variant is pathogenic, but additional data are needed to prove that conclusively. Therefore, this variant has been classified as Likely Pathogenic.

Literature cited by the submitters: PubMed 25589632; PubMed 23975875; PubMed 27869827; PubMed 32964742.